The following is an entry in ClinVar:

ClinVar aggregate classification (germline): Uncertain significance (1 of 4 stars; one submission).

Submission:

Labcorp Genetics (formerly Invitae), Labcorp
Classification: Uncertain significance. Last evaluated: 2023-11-16. Review status: criteria provided, single submitter. Criteria: Invitae Variant Classification Sherloc (09022015). Collection method: clinical testing. Allele origin: germline.
Comment: This sequence change replaces valine, which is neutral and non-polar, with alanine, which is neutral and non-polar, at codon 202 of the TNK2 protein (p.Val202Ala). This variant is not present in population databases (gnomAD no frequency). This variant has not been reported in the literature in individuals affected with TNK2-related conditions. An algorithm developed to predict the effect of missense changes on protein structure and function (PolyPhen-2) suggests that this variant is likely to be tolerated. In summary, the available evidence is currently insufficient to determine the role of this variant in disease. Therefore, it has been classified as a Variant of Uncertain Significance.

NM_001382273.1(TNK2):c.416T>C (p.Val139Ala)

Gene: TNK2 (tyrosine kinase non receptor 2; minus strand). Cytogenetic location: 3q29.
Variant type: single nucleotide variant.
Coding change: c.416T>C on transcript NM_001382273.1 (MANE Select); coding-DNA position 416, T replaced by C.
Protein change: p.Val139Ala; replaces valine 139 with alanine.
Molecular consequence: missense variant. On other transcripts: non-coding transcript variant (15).
Genome position (GRCh38, 1-based): chr3:195,884,852, A>G on the plus strand (T>C on the coding strand, the complement: TNK2 is on the minus strand). VCF-style: chr3-195884852-A-G. GRCh37 (hg19) VCF-style: chr3-195611723-A-G.
Other names: c.488T>C, p.Val163Ala (NM_001010938.2, NM_001382272.1, NM_001387708.1 and 1 more transcripts); c.512T>C, p.Val171Ala (NM_001308046.2, NM_001382271.1, NM_001382275.1 and 1 more transcripts); c.416T>C, p.Val139Ala (NM_001382274.1, NM_001386164.1, NM_001387709.1 and 12 more transcripts); short protein forms V163A, V139A, V171A.
Identifiers: ClinVar variation 2695670 (VCV002695670.3), dbSNP rs2475391698, ClinGen allele CA355582509.